The following is an entry in ClinVar:

NM_004959.5(NR5A1):c.102+1G>C

Gene: NR5A1 (nuclear receptor subfamily 5 group A member 1; minus strand). Cytogenetic location: 9q33.3.
Variant type: single nucleotide variant.
Coding change: c.102+1G>C on transcript NM_004959.5 (MANE Select); the canonical splice donor site of the intron after coding-DNA position 102, G replaced by C.
Molecular consequence: splice donor variant.
Genome position (GRCh38, 1-based): chr9:124,503,293, C>G on the plus strand (G>C on the coding strand, the complement: NR5A1 is on the minus strand). VCF-style: chr9-124503293-C-G. GRCh37 (hg19) VCF-style: chr9-127265572-C-G.
Identifiers: ClinVar variation 1338669 (VCV001338669.4), dbSNP rs2131289951, ClinGen allele CA374890630.

ClinVar aggregate classification (germline): Likely pathogenic (1 of 4 stars; one submission).

Submission:

Genetic Services Laboratory, University of Chicago
Classification: Likely pathogenic. Last evaluated: 2021-11-15. Review status: criteria provided, single submitter. Criteria: ACMG Guidelines, 2015. Collection method: clinical testing. Allele origin: germline. Affected: yes.
Comment: DNA sequence analysis of the NR5A1gene demonstrated a sequence change in the canonical splice donor site of intron 2, c.102+1G>C. This sequence change does not appear to have been previously described in individuals with NR5A1-related disorders and has also not been described in population databases such as ExAC and gnomAD. This sequence change is predicted to affect normal splicing of the NR5A1 gene and result in an abnormal protein. This sequence change is the likely cause of this individual's phenotype, however functional studies have not been performed to prove this conclusively.